The following is an entry in ClinVar:

ClinVar aggregate classification (germline): Uncertain significance (1 of 4 stars; one submission).

gnomAD v4.1: 3 of 1,613,926 alleles (0.00019%); highest among the groups gnomAD compares: Non-Finnish European, 0.00025%; no homozygotes.

Submission:

Labcorp Genetics (formerly Invitae), Labcorp
Classification: Uncertain significance. Last evaluated: 2021-08-21. Review status: criteria provided, single submitter. Criteria: Invitae Variant Classification Sherloc (09022015). Collection method: clinical testing. Allele origin: germline.
Comment: This sequence change replaces serine with arginine at codon 380 of the ELP1 protein (p.Ser380Arg). The serine residue is moderately conserved and there is a moderate physicochemical difference between serine and arginine. This variant is present in population databases (rs771575205, ExAC 0.001%). This variant has not been reported in the literature in individuals affected with ELP1-related conditions. Algorithms developed to predict the effect of missense changes on protein structure and function are either unavailable or do not agree on the potential impact of this missense change (SIFT: "Tolerated"; PolyPhen-2: "Probably Damaging"; Align-GVGD: "Class C0"). In summary, the available evidence is currently insufficient to determine the role of this variant in disease. Therefore, it has been classified as a Variant of Uncertain Significance.

NM_003640.5(ELP1):c.1140C>A (p.Ser380Arg)

Gene: ELP1 (elongator acetyltransferase complex subunit 1; minus strand). Cytogenetic location: 9q31.3.
Variant type: single nucleotide variant.
Coding change: c.1140C>A on transcript NM_003640.5 (MANE Select); coding-DNA position 1140, C replaced by A.
Protein change: p.Ser380Arg; replaces serine 380 with arginine.
Molecular consequence: missense variant.
Genome position (GRCh38, 1-based): chr9:108,912,313, G>T on the plus strand (C>A on the coding strand, the complement: ELP1 is on the minus strand). VCF-style: chr9-108912313-G-T. GRCh37 (hg19) VCF-style: chr9-111674593-G-T.
Other names: c.798C>A, p.Ser266Arg (NM_001318360.2); c.93C>A, p.Ser31Arg (NM_001330749.2); short protein forms S266R, S380R, S31R.
Identifiers: ClinVar variation 1376711 (VCV001376711.3), dbSNP rs771575205, ClinGen allele CA5175109.